The following is an entry in ClinVar:

NM_024312.5(GNPTAB):c.2743_2755del (p.Ala915fs)

Gene: GNPTAB (N-acetylglucosamine-1-phosphate transferase subunits alpha and beta; minus strand). Cytogenetic location: 12q23.2.
Variant type: Deletion.
Coding change: c.2743_2755del on transcript NM_024312.5 (MANE Select); coding-DNA positions 2743 to 2755, 13 bases deleted (GCATACTTCACTG).
Protein change: p.Ala915fs; shifts the reading frame from alanine 915.
Molecular consequence: frameshift variant.
Genome position (GRCh38, 1-based): chr12:101,761,724-101,761,736, CAGTGAAGTATGC deleted on the plus strand (GCATACTTCACTG on the coding strand, the reverse complement: GNPTAB is on the minus strand); deleting any 13 consecutive bases within chr12:101,761,724-101,761,738 gives the same sequence; the c. name uses the placement nearest the transcript's 3' end. VCF-style (leftmost placement, unchanged base first): chr12-101761723-TCAGTGAAGTATGC-T. GRCh37 (hg19) VCF-style: chr12-102155501-TCAGTGAAGTATGC-T.
Other names: short protein forms A915fs.
Identifiers: ClinVar variation 5013104 (VCV005013104.1).

ClinVar aggregate classification (germline): Pathogenic (1 of 4 stars; one submission).

Conditions:
GNPTAB-mucolipidosis. Also called: UDP-N-acetylglucosamine-1-phosphotransferase subunit alpha/beta deficiency. Identifiers: MedGen CN322573, MONDO:0100122.

Submission:

Myriad Genetics, Inc.
Classification: Pathogenic for GNPTAB-mucolipidosis. Last evaluated: 2024-05-24. Review status: criteria provided, single submitter. Criteria: Myriad Autosomal Dominant, Autosomal Recessive and X-Linked Classification Criteria (2023). Collection method: clinical testing. Allele origin: unknown.
Comment: NM_024312.4(GNPTAB):c.2743_2755del13(A915Ifs*9) is expected to be pathogenic in the context of GNPTAB-related disorders. This variant is predicted to lead to an abnormal or absent protein product due to the creation of a premature termination codon in GNPTAB, a gene where loss-of-function variants are known to be pathogenic. Please note: this variant was assessed in the context of healthy population screening.